The following is an entry in ClinVar:

ClinVar aggregate classification (germline): Conflicting classifications of pathogenicity. Review status: criteria provided, conflicting classifications (1 of 4 stars). 7 submissions from 7 submitters: Uncertain significance (4); Likely benign (3). Last evaluated 2026-01-21.

Conditions:
Epidermolysis bullosa simplex, Ogna type (EBS5A). Also called: Pidermolysis bullosa simplex 5A, Ogna type; EPIDERMOLYSIS BULLOSA SIMPLEX 5A, OGNA TYPE. Identifiers: Orphanet 79401, MedGen C0432317, MONDO:0007555, OMIM 131950.
Epidermolysis bullosa simplex with nail dystrophy (EBS5D). Identifiers: MedGen C4225309, MONDO:0014661, OMIM 616487.
Autosomal recessive limb-girdle muscular dystrophy type 2Q (LGMDR17). Also called: MUSCULAR DYSTROPHY, LIMB-GIRDLE, AUTOSOMAL RECESSIVE 17. Identifiers: Orphanet 254361, MedGen C3150989, MONDO:0013390, OMIM 613723.
Epidermolysis bullosa simplex 5C, with pyloric atresia (EBS5C). Also called: Epidermolysis bullosa simplex with pyloric atresia; PLEC1-Related Epidermolysis Bullosa with Pyloric Atresia; PLEC-Related Epidermolysis Bullosa with Pyloric Atresia. Identifiers: Orphanet 158684, MedGen C2677349, MONDO:0012807, OMIM 612138.
Epidermolysis bullosa simplex 5B, with muscular dystrophy (EBS5B). Also called: Epidermolysis bullosa simplex with muscular dystrophy; EPIDERMOLYSIS BULLOSA SIMPLEX AND LIMB-GIRDLE MUSCULAR DYSTROPHY. Identifiers: Orphanet 257, MedGen C2931072, MONDO:0009181, OMIM 226670.
PLEC-related disorder. Also called: PLEC-related disorders; PLEC-related condition.

Allele frequency attached by ClinVar (database versions not stated): gnomAD exomes 0.00017 and 0.00020; ExAC 0.00022; ESP Exome Variant Server 0.00039; gnomAD 0.00043 and 0.00046; TOPMed 0.00046; 1000 Genomes Project 30x 0.00062; 1000 Genomes Project 0.00080.
gnomAD v4.1: 324 of 1,602,962 alleles (0.02%); highest among the groups gnomAD compares: African/African-American, 0.13%; no homozygotes.

Submissions (7):

Labcorp Genetics (formerly Invitae), Labcorp
Classification: Uncertain significance for Autosomal recessive limb-girdle muscular dystrophy type 2Q; Epidermolysis bullosa simplex, Ogna type; Epidermolysis bullosa simplex with nail dystrophy; Epidermolysis bullosa simplex 5C, with pyloric atresia; Epidermolysis bullosa simplex 5B, with muscular dystrophy. Last evaluated: 2026-01-21. Review status: criteria provided, single submitter. Criteria: Invitae Variant Classification Sherloc (09022015). Collection method: clinical testing. Allele origin: germline.
Comment: This sequence change replaces aspartic acid, which is acidic and polar, with asparagine, which is neutral and polar, at codon 2287 of the PLEC protein (p.Asp2287Asn). This variant is present in population databases (rs371763907, gnomAD 0.2%). This variant has not been reported in the literature in individuals affected with PLEC-related conditions. ClinVar contains an entry for this variant (Variation ID: 283645). Invitae Evidence Modeling of protein sequence and biophysical properties (such as structural, functional, and spatial information, amino acid conservation, physicochemical variation, residue mobility, and thermodynamic stability) has been performed for this missense variant. However, the output from this modeling did not meet the statistical confidence thresholds required to predict the impact of this variant on PLEC protein function. In summary, the available evidence is currently insufficient to determine the role of this variant in disease. Therefore, it has been classified as a Variant of Uncertain Significance.

CeGaT Center for Human Genetics Tuebingen
Classification: Uncertain significance. Last evaluated: 2026-01-01. Review status: criteria provided, single submitter. Criteria: CeGaT Center For Human Genetics Tuebingen Variant Classification Criteria Version 2. Collection method: clinical testing. Allele origin: germline. Affected: yes. Observed: 1 variant allele.
Comment: PLEC: PM2

Revvity Omics, Revvity
Classification: Uncertain significance. Last evaluated: 2024-11-15. Review status: criteria provided, single submitter. Criteria: ACMG Guidelines, 2015. Collection method: clinical testing. Allele origin: germline.

PreventionGenetics, part of Exact Sciences
Classification: Likely benign for PLEC-related condition. Last evaluated: 2024-10-07. Review status: criteria provided, single submitter. Criteria: ACMG Guidelines, 2015. Collection method: clinical testing. Allele origin: germline.
Comment: This variant is classified as likely benign based on ACMG/AMP sequence variant interpretation guidelines (Richards et al. 2015 PMID: 25741868, with internal and published modifications).

Blueprint Genetics
Classification: Likely benign. Last evaluated: 2023-11-07. Review status: criteria provided, single submitter. Criteria: ACMG Guidelines, 2015. Collection method: clinical testing. Allele origin: germline.

Athena Diagnostics
Classification: Likely benign. Last evaluated: 2019-08-15. Review status: criteria provided, single submitter. Criteria: Athena Diagnostics Criteria. Collection method: clinical testing. Allele origin: germline.

Eurofins Ntd Llc (ga)
Classification: Uncertain significance. Last evaluated: 2016-07-06. Review status: criteria provided, single submitter. Criteria: EGL Classification Definitions 2015. Collection method: clinical testing. Allele origin: germline. Observed: 1 variant allele, 1 heterozygote.

NM_201384.3(PLEC):c.6778G>A (p.Asp2260Asn)

Gene: PLEC (plectin; minus strand). Cytogenetic location: 8q24.3.
Variant type: single nucleotide variant.
Coding change: c.6778G>A on transcript NM_201384.3 (MANE Select); coding-DNA position 6778, G replaced by A.
Protein change: p.Asp2260Asn; replaces aspartic acid 2260 with asparagine.
Molecular consequence: missense variant.
Genome position (GRCh38, 1-based): chr8:143,923,151, C>T on the plus strand (G>A on the coding strand, the complement: PLEC is on the minus strand). VCF-style: chr8-143923151-C-T. GRCh37 (hg19) VCF-style: chr8-144997319-C-T.
Other names: c.6859G>A, p.Asp2287Asn (NM_000445.5); c.6736G>A, p.Asp2246Asn (NM_201378.4); c.6712G>A, p.Asp2238Asn (NM_201379.3); c.7189G>A, p.Asp2397Asn (NM_201380.4); c.6682G>A, p.Asp2228Asn (NM_201381.3); c.6778G>A, p.Asp2260Asn (NM_201382.4); c.6790G>A, p.Asp2264Asn (NM_201383.3); short protein forms D2228N, D2287N, D2238N, D2264N, D2260N, D2246N, D2397N.
Identifiers: ClinVar variation 283645 (VCV000283645.23), dbSNP rs371763907, ClinGen allele CA4925865.